The following is an entry in ClinVar:

NM_033004.4(NLRP1):c.3142T>A (p.Ser1048Thr)

Gene: NLRP1 (NLR family pyrin domain containing 1; minus strand). Cytogenetic location: 17p13.2.
Variant type: single nucleotide variant.
Coding change: c.3142T>A on transcript NM_033004.4 (MANE Select); coding-DNA position 3142, T replaced by A.
Protein change: p.Ser1048Thr; replaces serine 1048 with threonine.
Molecular consequence: missense variant.
Genome position (GRCh38, 1-based): chr17:5,532,976, A>T on the plus strand (T>A on the coding strand, the complement: NLRP1 is on the minus strand). VCF-style: chr17-5532976-A-T. GRCh37 (hg19) VCF-style: chr17-5436296-A-T.
Other names: c.3154T>A, p.Ser1052Thr (NM_001033053.3); c.3142T>A, p.Ser1048Thr (NM_014922.5); c.3052T>A, p.Ser1018Thr (NM_033006.4, NM_033007.4); short protein forms S1018T, S1052T, S1048T.
Identifiers: ClinVar variation 4732213 (VCV004732213.1).
Genomic context (GRCh38, chr17:5,532,976, plus strand): 5'-GGTCCCCTTGAGAGGCAGGAGAAGGCACGCACAAGAGTTCCACCGGTACTACCTCTGGGG[A>T]GCTTTCCTCTGAAACAGCAAGGCAGCGGTCAGCTCCAGATTCTCCCGCCTGGCCTCCCCT-3'
Protein context (NP_127497.1, residues 1038-1058): FPIAEIAEES[Ser1048Thr]PEVVPVELLC

ClinVar aggregate classification (germline): Uncertain significance (1 of 4 stars; one submission).

Submission:

Labcorp Genetics (formerly Invitae), Labcorp
Classification: Uncertain significance. Last evaluated: 2025-11-29. Review status: criteria provided, single submitter. Criteria: Invitae Variant Classification Sherloc (09022015). Collection method: clinical testing. Allele origin: germline.
Comment: This sequence change replaces serine, which is neutral and polar, with threonine, which is neutral and polar, at codon 1048 of the NLRP1 protein (p.Ser1048Thr). This variant is not present in population databases (gnomAD no frequency). This variant has not been reported in the literature in individuals affected with NLRP1-related conditions. An algorithm developed to predict the effect of missense changes on protein structure and function (PolyPhen-2) suggests that this variant is likely to be tolerated. In summary, the available evidence is currently insufficient to determine the role of this variant in disease. Therefore, it has been classified as a Variant of Uncertain Significance.